The following is an entry in ClinVar:

ClinVar aggregate classification (germline): Likely benign (1 of 4 stars; one submission).

Allele frequency attached by ClinVar (database versions not stated): gnomAD exomes below 0.00001 and 0.00001; ExAC 0.00001; gnomAD 0.00005; TOPMed 0.00006; ESP Exome Variant Server 0.00008.
gnomAD v4.1: 15 of 1,614,054 alleles (0.00093%); highest among the groups gnomAD compares: African/African-American, 0.015%; no homozygotes.

Submission:

GeneDx
Classification: Likely benign. Last evaluated: 2018-04-28. Review status: criteria provided, single submitter. Criteria: GeneDx Variant Classification (06012015). Collection method: clinical testing. Allele origin: germline. Affected: yes.
Comment: This variant is considered likely benign or benign based on one or more of the following criteria: it is a conservative change, it occurs at a poorly conserved position in the protein, it is predicted to be benign by multiple in silico algorithms, and/or has population frequency not consistent with disease.

NM_005379.4(MYO1A):c.2530C>T (p.Leu844=)

Gene: MYO1A (myosin IA; minus strand). Cytogenetic location: 12q13.3.
Variant type: single nucleotide variant.
Coding change: c.2530C>T on transcript NM_005379.4 (MANE Select); coding-DNA position 2530, C replaced by T.
Protein change: p.Leu844=; no amino-acid change (leucine 844 retained).
Molecular consequence: synonymous variant.
Genome position (GRCh38, 1-based): chr12:57,030,271, G>A on the plus strand (C>T on the coding strand, the complement: MYO1A is on the minus strand). VCF-style: chr12-57030271-G-A. GRCh37 (hg19) VCF-style: chr12-57424055-G-A.
Other names: c.2530C>T, p.Leu844= (NM_001256041.2).
Identifiers: ClinVar variation 682253 (VCV000682253.1), dbSNP rs373322155, ClinGen allele CA6639691.